The following is an entry in ClinVar:

ClinVar aggregate classification (germline): Uncertain significance (1 of 4 stars; one submission).

Conditions:
FG syndrome (FGS). Identifiers: MedGen C0220769, MONDO:0002010.

Submission:

Labcorp Genetics (formerly Invitae), Labcorp
Classification: Uncertain significance for FG syndrome. Last evaluated: 2025-02-26. Review status: criteria provided, single submitter. Criteria: Invitae Variant Classification Sherloc (09022015). Collection method: clinical testing. Allele origin: germline.
Comment: This variant, c.6324_6329del, results in the deletion of 2 amino acid(s) of the MED12 protein (p.Gln2114_Gln2115del), but otherwise preserves the integrity of the reading frame. This variant is not present in population databases (gnomAD no frequency). This variant has not been reported in the literature in individuals affected with MED12-related conditions. Experimental studies and prediction algorithms are not available or were not evaluated, and the functional significance of this variant is currently unknown. In summary, the available evidence is currently insufficient to determine the role of this variant in disease. Therefore, it has been classified as a Variant of Uncertain Significance.

NM_005120.3(MED12):c.6318GCA[2] (p.Gln2114_Gln2115del)

Gene: MED12 (mediator complex subunit 12; plus strand). Cytogenetic location: Xq13.1.
Variant type: Microsatellite.
Coding change: c.6318GCA[2] on transcript NM_005120.3 (MANE Select); two copies in a row of the 3-base unit GCA starting at c.6318; the reference has four copies in a row; two copies, 6 bases deleted.
Protein change: p.Gln2114_Gln2115del.
Genome position (GRCh38, 1-based): chrX:71,141,286-71,141,291, GCAGCA deleted; deleting any 6 consecutive bases within chrX:71,141,278-71,141,291 gives the same sequence; the position shown is the placement nearest the transcript's 3' end. VCF-style (leftmost placement, unchanged base first): chrX-71141277-ACAGCAG-A. GRCh37 (hg19) VCF-style: chrX-70361127-ACAGCAG-A.
Identifiers: ClinVar variation 3728201 (VCV003728201.2).
Genomic context (GRCh38, chrX:71,141,277, plus strand): 5'-TGTGTTCTTATAGCAGCAGCAGCAACAGCAACAGCAGCAGCAGCAGCAGCAGCAACAGCA[ACAGCAG>A]CAGCAGCAACAGCAACAACAGCAACACCAGCAGCAACAGCAGCAACAGGCGGCTCCTCCC-3'